The following is an entry in ClinVar:

NM_016169.4(SUFU):c.1133G>C (p.Gly378Ala)

Gene: SUFU (SUFU negative regulator of hedgehog signaling; plus strand). Cytogenetic location: 10q24.32.
Variant type: single nucleotide variant.
Coding change: c.1133G>C on transcript NM_016169.4 (MANE Select); coding-DNA position 1133, G replaced by C.
Protein change: p.Gly378Ala; replaces glycine 378 with alanine.
Molecular consequence: missense variant.
Genome position (GRCh38, 1-based): chr10:102,615,378, G>C. VCF-style: chr10-102615378-G-C. GRCh37 (hg19) VCF-style: chr10-104375135-G-C.
Other names: c.1133G>C, p.Gly378Ala (NM_001178133.2); short protein forms G378A.
Identifiers: ClinVar variation 1729130 (VCV001729130.6), dbSNP rs1254002019, ClinGen allele CA377914463.
Genomic context (GRCh38, chr10:102,615,378, plus strand): 5'-ATGAGCTGATTCGCACGCGGCAGCTTGAGAGCGTACATCTGAAATTCAACCAGGAGTCCG[G>C]AGCCCTCATTCCTCTCTGCCTAAGGTGAGCGAGACAGCCCTGCCACACAGTTTACCCCAC-3'
Protein context (NP_057253.2, residues 368-388): SVHLKFNQES[Gly378Ala]ALIPLCLRGR

ClinVar aggregate classification (germline): Conflicting classifications of pathogenicity. Review status: criteria provided, conflicting classifications (1 of 4 stars). 2 submissions from 2 submitters: Uncertain significance (1); Likely benign (1). Last evaluated 2024-05-01.

Conditions:
Hereditary cancer-predisposing syndrome. Also called: Neoplastic Syndromes, Hereditary; Tumor predisposition; Hereditary Cancer Syndrome; Hereditary neoplastic syndrome. Identifiers: Orphanet 140162, MedGen C0027672, MeSH D009386, MONDO:0015356.
Gorlin syndrome. Also called: Nevoid Basal Cell Carcinoma Syndrome; Basal cell nevus syndrome. Identifiers: Orphanet 377, MedGen C0004779, MONDO:0007187.
Medulloblastoma (MDB). Also called: MEDULLOBLASTOMA PREDISPOSITION SYNDROME; Medulloblastoma, somatic. Identifiers: Orphanet 616, MedGen C0025149, MeSH D008527, MONDO:0007959, OMIM 155255, HP:0002885.

Allele frequency attached by ClinVar (database versions not stated): gnomAD exomes below 0.00001; gnomAD 0.00001; TOPMed 0.00001.
gnomAD v4.1: 3 of 1,613,904 alleles (0.00019%); highest among the groups gnomAD compares: African/African-American, 0.004%; no homozygotes.

Submissions (2):

Ambry Genetics
Classification: Likely benign for Hereditary cancer-predisposing syndrome. Last evaluated: 2024-05-01. Review status: criteria provided, single submitter. Criteria: Ambry Variant Classification Scheme 2023. Collection method: clinical testing. Allele origin: germline.

Labcorp Genetics (formerly Invitae), Labcorp
Classification: Uncertain significance for Gorlin syndrome; Medulloblastoma. Last evaluated: 2023-12-10. Review status: criteria provided, single submitter. Criteria: Invitae Variant Classification Sherloc (09022015). Collection method: clinical testing. Allele origin: germline.
Comment: This sequence change replaces glycine, which is neutral and non-polar, with alanine, which is neutral and non-polar, at codon 378 of the SUFU protein (p.Gly378Ala). This variant is present in population databases (no rsID available, gnomAD 0.01%). This variant has not been reported in the literature in individuals affected with SUFU-related conditions. ClinVar contains an entry for this variant (Variation ID: 1729130). Advanced modeling of protein sequence and biophysical properties (such as structural, functional, and spatial information, amino acid conservation, physicochemical variation, residue mobility, and thermodynamic stability) performed at Invitae indicates that this missense variant is not expected to disrupt SUFU protein function with a negative predictive value of 80%. In summary, the available evidence is currently insufficient to determine the role of this variant in disease. Therefore, it has been classified as a Variant of Uncertain Significance.